The following is an entry in ClinVar:

NM_001042545.2(LTBP4):c.856G>C (p.Gly286Arg)

Genes: LTBP4 (latent transforming growth factor beta binding protein 4; plus strand), LOC121627876 (Sharpr-MPRA regulatory region 12022; plus strand). Cytogenetic location: 19q13.2.
Variant type: single nucleotide variant.
Coding change: c.856G>C on transcript NM_001042545.2 (MANE Select); coding-DNA position 856, G replaced by C.
Protein change: p.Gly286Arg; replaces glycine 286 with arginine.
Molecular consequence: missense variant.
Genome position (GRCh38, 1-based): chr19:40,606,295, G>C. VCF-style: chr19-40606295-G-C. GRCh37 (hg19) VCF-style: chr19-41112201-G-C.
Other names: c.1057G>C, p.Gly353Arg (NM_001042544.1); c.946G>C, p.Gly316Arg (NM_003573.2); short protein forms G286R, G316R, G353R.
Identifiers: ClinVar variation 4887748 (VCV004887748.1).
Genomic context (GRCh38, chr19:40,606,295, plus strand): 5'-AACTCCGAAAGAGTGAGCGCCCCAGATGGACCTTGTCCAACCGGCTTTGAAAGAGTTAAT[G>C]GGTCCTGCGAAGGTGCAACGGGGCAGGGGTGGGAGGGGCTTGGTTCTGGGGGCGGGATTT-3'
Protein context (NP_001036010.1, residues 276-296): PCPTGFERVN[Gly286Arg]SCEDVDECAT

ClinVar aggregate classification (germline): Uncertain significance (1 of 4 stars; one submission).

gnomAD v4.1: 14 of 1,601,550 alleles (0.00087%); highest among the groups gnomAD compares: East Asian, 0.027%; no homozygotes.

Submission:

Women's Health and Genetics/Laboratory Corporation of America, LabCorp
Classification: Uncertain significance. Last evaluated: 2026-06-23. Review status: criteria provided, single submitter. Criteria: LabCorp Variant Classification Summary - May 2015. Collection method: clinical testing. Allele origin: germline.
Comment: Variant summary: LTBP4 c.946G>C (p.Gly316Arg) results in a non-conservative amino acid change in the encoded protein sequence. Algorithms developed to predict the effect of missense changes on protein structure and function are either unavailable or do not agree on the potential impact of this missense change. The variant allele was found at a frequency of 4.8e-05 in 227376 control chromosomes (gnomAD). This frequency is not significantly higher than estimated for disease-causing variants in LTBP4, allowing no conclusion about variant significance. c.946G>C has been observed in one individual affected with Acute aortic dissection (Zheng_2018). The report does not provide unequivocal conclusions about association of the variant with disease. To our knowledge, no experimental evidence demonstrating an impact on protein function has been reported. The following publication have been ascertained in the context of this evaluation (PMID: 30056620). No submitters have cited clinical-significance assessments for this variant to ClinVar. Based on the evidence outlined above, the variant was classified as uncertain significance.

Literature cited by the submitters: PubMed 30056620.